The following is an entry in ClinVar:

ClinVar aggregate classification (germline): Uncertain significance. Review status: criteria provided, multiple submitters, no conflicts (2 of 4 stars). 2 submissions from 2 submitters: Uncertain significance (2). Last evaluated 2024-10-24.

Conditions:
Inborn genetic diseases. Identifiers: MedGen C0950123, MeSH D030342.
Deficiency of alpha-mannosidase (MANSA). Also called: Mannosidosis, alpha-, types I and II; LYSOSOMAL ALPHA-D-MANNOSIDASE DEFICIENCY; Alpha-Mannosidosis. Identifiers: Orphanet 61, MedGen C0024748, MONDO:0009561, OMIM 248500.

Allele frequency attached by ClinVar (database versions not stated): ExAC 0.00001; gnomAD exomes 0.00001; gnomAD 0.00002; TOPMed 0.00002.
gnomAD v4.1: 6 of 1,613,472 alleles (0.00037%); highest among the groups gnomAD compares: African/African-American, 0.008%; no homozygotes.

Submissions (2):

Ambry Genetics
Classification: Uncertain significance for Inborn genetic diseases. Last evaluated: 2024-10-24. Review status: criteria provided, single submitter. Criteria: Ambry Variant Classification Scheme 2023. Collection method: clinical testing. Allele origin: germline.

Labcorp Genetics (formerly Invitae), Labcorp
Classification: Uncertain significance for Deficiency of alpha-mannosidase. Last evaluated: 2024-09-09. Review status: criteria provided, single submitter. Criteria: Invitae Variant Classification Sherloc (09022015). Collection method: clinical testing. Allele origin: germline.
Comment: This sequence change replaces glutamic acid, which is acidic and polar, with glutamine, which is neutral and polar, at codon 827 of the MAN2B1 protein (p.Glu827Gln). This variant is present in population databases (rs745928175, gnomAD 0.007%). This variant has not been reported in the literature in individuals affected with MAN2B1-related conditions. ClinVar contains an entry for this variant (Variation ID: 2166036). Invitae Evidence Modeling of protein sequence and biophysical properties (such as structural, functional, and spatial information, amino acid conservation, physicochemical variation, residue mobility, and thermodynamic stability) has been performed for this missense variant. However, the output from this modeling did not meet the statistical confidence thresholds required to predict the impact of this variant on MAN2B1 protein function. In summary, the available evidence is currently insufficient to determine the role of this variant in disease. Therefore, it has been classified as a Variant of Uncertain Significance.

NM_000528.4(MAN2B1):c.2479G>C (p.Glu827Gln)

Gene: MAN2B1 (mannosidase alpha class 2B member 1; minus strand). Cytogenetic location: 19p13.13.
Variant type: single nucleotide variant.
Coding change: c.2479G>C on transcript NM_000528.4 (MANE Select); coding-DNA position 2479, G replaced by C.
Protein change: p.Glu827Gln; replaces glutamic acid 827 with glutamine.
Molecular consequence: missense variant.
Genome position (GRCh38, 1-based): chr19:12,648,360, C>G on the plus strand (G>C on the coding strand, the complement: MAN2B1 is on the minus strand). VCF-style: chr19-12648360-C-G. GRCh37 (hg19) VCF-style: chr19-12759174-C-G.
Other names: c.2476G>C, p.Glu826Gln (NM_001173498.2); c.2479G>C (NM_000528.3); short protein forms E826Q, E827Q.
Identifiers: ClinVar variation 2166036 (VCV002166036.4), dbSNP rs745928175, ClinGen allele CA9226001.
Genomic context (GRCh38, chr19:12,648,360, plus strand): 5'-CCAGCAGCACCAGGTGGCGCCCTCGCACCCACGCCCCCGACCCGTTCTCCATTAGTGGCT[C>G]CGATACTCCGCGTCCATCGTCCTTCAGCAGCCTTCGGTGCACCTGGGGGGAGAGTGGCCA-3'
Protein context (NP_000519.2, residues 817-837): LLKDDGRGVS[Glu827Gln]PLMENGSGAW